The following is an entry in ClinVar:

ClinVar aggregate classification (germline): Uncertain significance. Review status: criteria provided, single submitter (1 of 4 stars). 2 submissions from 2 submitters: Uncertain significance (1). 1 of the submissions does not count toward it. Last evaluated 2024-03-03.

Conditions:
Hernia, anterior diaphragmatic (DIH5). Identifiers: Orphanet 2140, MedGen C1844025, MONDO:0010606, OMIM 306950.
Congenital diaphragmatic hernia. Also called: DIH; Congenital diaphragmatic defect; Unilateral agenesis of diaphragm; Agenesis of hemidiaphragm. Identifiers: Orphanet 2140, MedGen C0235833, MeSH D065630, MONDO:0005711, HP:0000776.

Submissions (2):

SIB Swiss Institute of Bioinformatics
Classification: Uncertain significance for Hernia, anterior diaphragmatic. Last evaluated: 2024-03-03. Review status: criteria provided, single submitter. Criteria: ACMG Guidelines, 2015. Collection method: curation. Allele origin: unknown. Affected: yes.
Comment: This variant is interpreted for Diaphragmatic hernia 5, X-linked. The following ACMG Tag(s) were applied: Absent from controls (or at extremely low frequency if recessive) in gnomAD (PM2). Multiple lines of computational evidence support a deleterious effect on the gene or gene product (PP3).

Lupski Lab, Baylor-Hopkins CMG, Baylor College of Medicine
Classification: Pathogenic for Congenital diaphragmatic hernia. Last evaluated: 2021-08-11. Review status: no assertion criteria provided. Collection method: research. Allele origin: inherited. Affected: yes. Observed: 1 variant allele. Study: Baylor-Hopkins Center for Mendelian Genomics. Not counted in ClinVar's aggregate classification.

Literature cited by the submitters: PubMed 37751738 (cited by SIB Swiss Institute of Bioinformatics).

NM_005032.7(PLS3):c.1054T>C (p.Phe352Leu)

Gene: PLS3 (plastin 3; plus strand). Cytogenetic location: Xq23.
Variant type: single nucleotide variant.
Coding change: c.1054T>C on transcript NM_005032.7 (MANE Select); coding-DNA position 1054, T replaced by C.
Protein change: p.Phe352Leu; replaces phenylalanine 352 with leucine.
Molecular consequence: missense variant.
Genome position (GRCh38, 1-based): chrX:115,643,379, T>C. VCF-style: chrX-115643379-T-C. GRCh37 (hg19) VCF-style: chrX-114877691-T-C.
Other names: c.1054T>C, p.Phe352Leu (NM_001136025.5); c.973T>C, p.Phe325Leu (NM_001172335.3); c.1015T>C, p.Phe339Leu (NM_001282337.2); c.919T>C, p.Phe307Leu (NM_001282338.2); short protein forms F307L, F325L, F339L, F352L.
Identifiers: ClinVar variation 1195980 (VCV001195980.2), dbSNP rs2147577404, ClinGen allele CA414335073.